The following is an entry in ClinVar:

NM_003173.4(SUV39H1):c.780C>T (p.Thr260=)

Gene: SUV39H1 (SUV39H1 histone lysine methyltransferase; plus strand). Cytogenetic location: Xp11.23.
Variant type: single nucleotide variant.
Coding change: c.780C>T on transcript NM_003173.4 (MANE Select); coding-DNA position 780, C replaced by T.
Protein change: p.Thr260=; no amino-acid change (threonine 260 retained).
Molecular consequence: synonymous variant.
Genome position (GRCh38, 1-based): chrX:48,700,705, C>T. VCF-style: chrX-48700705-C-T. GRCh37 (hg19) VCF-style: chrX-48559096-C-T.
Other names: c.813C>T, p.Thr271= (NM_001282166.2).
Identifiers: ClinVar variation 2660466 (VCV002660466.24), dbSNP rs143860178, ClinGen allele CA10404235.

ClinVar aggregate classification (germline): Likely benign (1 of 4 stars; one submission).

gnomAD v4.1: 437 of 1,209,952 alleles (0.036%); highest among the groups gnomAD compares: South Asian, 0.13%; 1 homozygote.

Submission:

CeGaT Center for Human Genetics Tuebingen
Classification: Likely benign. Last evaluated: 2022-11-01. Review status: criteria provided, single submitter. Criteria: CeGaT Center For Human Genetics Tuebingen Variant Classification Criteria Version 2. Collection method: clinical testing. Allele origin: germline. Affected: yes. Observed: 1 variant allele.
Comment: SUV39H1: BP4, BP7, BS2